The following is an entry in ClinVar:

ClinVar aggregate classification (germline): Benign/Likely benign. Review status: criteria provided, multiple submitters, no conflicts (2 of 4 stars). 2 submissions from 2 submitters: Benign (1); Likely benign (1). Last evaluated 2025-01-31.

Conditions:
Hereditary cancer-predisposing syndrome. Also called: Neoplastic Syndromes, Hereditary; Tumor predisposition; Hereditary Cancer Syndrome; Hereditary neoplastic syndrome. Identifiers: Orphanet 140162, MedGen C0027672, MeSH D009386, MONDO:0015356.
Lynch syndrome 4 (LYNCH4). Also called: Colorectal cancer, hereditary nonpolyposis, type 4; Hereditary non-polyposis colorectal cancer, type 4. Identifiers: Orphanet 144, MedGen C1838333, MONDO:0013699, OMIM 614337. Disease mechanism: loss of function.

Submissions (2):

Myriad Genetics, Inc.
Classification: Benign for Lynch syndrome 4. Last evaluated: 2025-01-31. Review status: criteria provided, single submitter. Criteria: Myriad Autosomal Dominant, Autosomal Recessive and X-Linked Classification Criteria (2023). Collection method: clinical testing. Allele origin: unknown.
Comment: This variant is considered benign. This variant is a silent/synonymous amino acid change and it is not expected to impact splicing.

Ambry Genetics
Classification: Likely benign for Hereditary cancer-predisposing syndrome. Last evaluated: 2019-04-04. Review status: criteria provided, single submitter. Criteria: Ambry Variant Classification Scheme 2023. Collection method: clinical testing. Allele origin: germline.

NM_000535.7(PMS2):c.1710T>C (p.Asn570=)

Gene: PMS2 (PMS1 homolog 2, mismatch repair system component; minus strand). Cytogenetic location: 7p22.1.
Variant type: single nucleotide variant.
Coding change: c.1710T>C on transcript NM_000535.7 (MANE Select); coding-DNA position 1710, T replaced by C.
Protein change: p.Asn570=; no amino-acid change (asparagine 570 retained).
Molecular consequence: synonymous variant. On other transcripts: non-coding transcript variant (1), intron variant (1).
Genome position (GRCh38, 1-based): chr7:5,987,055, A>G on the plus strand (T>C on the coding strand, the complement: PMS2 is on the minus strand). VCF-style: chr7-5987055-A-G. GRCh37 (hg19) VCF-style: chr7-6026686-A-G.
Other names: c.1305T>C, p.Asn435= (NM_001018040.1, NM_001322003.2, NM_001322004.2 and 17 more transcripts); c.1554T>C, p.Asn518= (NM_001322006.2, NM_001406870.1); c.1392T>C, p.Asn464= (NM_001322007.2, NM_001322008.2, NM_001406876.1 and 2 more transcripts); c.1149T>C, p.Asn383= (NM_001322010.2, NM_001406906.1, NM_001406907.1); c.777T>C, p.Asn259= (NM_001322011.2, NM_001322012.2); c.1137T>C, p.Asn379= (NM_001322013.2, NM_001406909.1); c.1710T>C, p.Asn570= (NM_001322014.2, NM_001406871.1, NM_001406872.1); c.1401T>C, p.Asn467= (NM_001322015.2, NM_001406875.1, NM_001406877.1 and 5 more transcripts); and 13 more.
Identifiers: ClinVar variation 1778564 (VCV001778564.3), dbSNP rs2128724890, ClinGen allele CA453746264.